The following is an entry in ClinVar:

ClinVar aggregate classification (germline): Uncertain significance (1 of 4 stars; one submission).

Conditions:
Muscular dystrophy-dystroglycanopathy (congenital with impaired intellectual development), type B, 14. Also called: MUSCULAR DYSTROPHY, CONGENITAL, GMPPB-RELATED; Congenital muscular dystrophy-dystroglycanopathy with mental retardation, type B14; Muscular dystrophy-dystroglycanopathy (congenital with intellectual disability), type B14. Identifiers: MedGen C3809221, MONDO:0014141, OMIM 615351.
Muscular dystrophy-dystroglycanopathy (congenital with brain and eye anomalies), type A14. Also called: WALKER-WARBURG SYNDROME OR MUSCLE-EYE-BRAIN DISEASE, GMPPB-RELATED; Muscular dystrophy-dystroglycanopathy (congenital with brain and eye anomalies), type a, 14; Congenital Muscular Dystrophy-Dystroglycanopathy with Brain and Eye Anomalies Type A 14; Congenital muscular dystrophy-dystroglycanopathy with brain and eye anomalies, type A14. Identifiers: Orphanet 588, MedGen C3809216, MONDO:0014140, OMIM 615350.
Autosomal recessive limb-girdle muscular dystrophy type 2T. Also called: MUSCULAR DYSTROPHY-DYSTROGLYCANOPATHY, LIMB-GIRDLE, GMPPB-RELATED; MUSCULAR DYSTROPHY, LIMB-GIRDLE, TYPE 2T; Muscular dystrophy-dystroglycanopathy (limb-girdle), type c, 14; Limb-girdle muscular dystrophy-dystroglycanopathy, type C14. Identifiers: Orphanet 363623, MedGen C4518000, MONDO:0014142, OMIM 615352.

Allele frequency attached by ClinVar (database versions not stated): gnomAD exomes below 0.00001.
gnomAD v4.1: 6 of 1,613,618 alleles (0.00037%); highest among the groups gnomAD compares: South Asian, 0.0022%; no homozygotes.

Submission:

Labcorp Genetics (formerly Invitae), Labcorp
Classification: Uncertain significance for Autosomal recessive limb-girdle muscular dystrophy type 2T; Muscular dystrophy-dystroglycanopathy (congenital with brain and eye anomalies), type A14; Muscular dystrophy-dystroglycanopathy (congenital with impaired intellectual development), type B, 14. Last evaluated: 2022-05-29. Review status: criteria provided, single submitter. Criteria: Invitae Variant Classification Sherloc (09022015). Collection method: clinical testing. Allele origin: germline.
Comment: This sequence change replaces valine, which is neutral and non-polar, with methionine, which is neutral and non-polar, at codon 278 of the GMPPB protein (p.Val278Met). The frequency data for this variant in the population databases is considered unreliable, as metrics indicate poor data quality at this position in the gnomAD database. This variant has not been reported in the literature in individuals affected with GMPPB-related conditions. Algorithms developed to predict the effect of missense changes on protein structure and function are either unavailable or do not agree on the potential impact of this missense change (SIFT: "Deleterious"; PolyPhen-2: "Probably Damaging"; Align-GVGD: "Class C15"). In summary, the available evidence is currently insufficient to determine the role of this variant in disease. Therefore, it has been classified as a Variant of Uncertain Significance.

NM_021971.4(GMPPB):c.832G>A (p.Val278Met)

Gene: GMPPB (GDP-mannose pyrophosphorylase B; minus strand). Cytogenetic location: 3p21.31.
Variant type: single nucleotide variant.
Coding change: c.832G>A on transcript NM_021971.4 (MANE Select); coding-DNA position 832, G replaced by A.
Protein change: p.Val278Met; replaces valine 278 with methionine.
Molecular consequence: missense variant.
Genome position (GRCh38, 1-based): chr3:49,722,084, C>T on the plus strand (G>A on the coding strand, the complement: GMPPB is on the minus strand). VCF-style: chr3-49722084-C-T. GRCh37 (hg19) VCF-style: chr3-49759517-C-T.
Other names: c.832G>A, p.Val278Met (NM_013334.4); short protein forms V278M.
Identifiers: ClinVar variation 1986737 (VCV001986737.4), dbSNP rs1488679302, ClinGen allele CA352827470.